The following is an entry in ClinVar:

NM_000243.3(MEFV):c.-15C>G

Gene: MEFV (MEFV innate immunity regulator, pyrin; minus strand). Cytogenetic location: 16p13.3.
Variant type: single nucleotide variant.
Coding change: c.-15C>G on transcript NM_000243.3 (MANE Select); 15 bases upstream of the start codon, C replaced by G.
Molecular consequence: 5 prime UTR variant.
Genome position (GRCh38, 1-based): chr16:3,256,602, G>C on the plus strand (C>G on the coding strand, the complement: MEFV is on the minus strand). VCF-style: chr16-3256602-G-C. GRCh37 (hg19) VCF-style: chr16-3306602-G-C.
Other names: c.-15C>G (NM_001198536.2).
Identifiers: ClinVar variation 319120 (VCV000319120.21), dbSNP rs11466015, ClinGen allele CA7860557.

ClinVar aggregate classification (germline): Conflicting classifications of pathogenicity. Review status: criteria provided, conflicting classifications (1 of 4 stars). 6 submissions from 6 submitters: Uncertain significance (1); Likely benign (4). 1 of the submissions does not count toward it. Last evaluated 2026-04-27.

Conditions:
Familial Mediterranean fever (FMF). Also called: POLYSEROSITIS, FAMILIAL PAROXYSMAL; POLYSEROSITIS, RECURRENT; Periodic peritonitis; Benign paroxysmal peritonitis. Identifiers: Orphanet 342, MedGen C0031069, MONDO:0018088, OMIM 249100. Disease mechanism: gain of function.

Allele frequency attached by ClinVar (database versions not stated): gnomAD exomes 0.00029 and 0.00082; ExAC 0.00116; 1000 Genomes Project 30x 0.00156; 1000 Genomes Project 0.00180; gnomAD 0.00306; TOPMed 0.00358; ESP Exome Variant Server 0.00431.
gnomAD v4.1: 1,000 of 1,614,138 alleles (0.062%); highest among the groups gnomAD compares: African/African-American, 1.2%; 7 homozygotes.

Submissions (6):

Women's Health and Genetics/Laboratory Corporation of America, LabCorp
Classification: Likely benign. Last evaluated: 2026-04-27. Review status: criteria provided, single submitter. Criteria: LabCorp Variant Classification Summary - May 2015. Collection method: clinical testing. Allele origin: germline.
Comment: Variant summary: MEFV c.-15C>G is located in the untranslated mRNA region upstream of the initiation codon. The variant allele was found at a frequency of 0.00082 in 250976 control chromosomes, predominantly at a frequency of 0.011 within the African or African-American subpopulation in the gnomAD database, including 6 homozygous controls in gnomAD v4. This frequency approaches the maximum pathogenic allele frequency expected for MEFV-related conditions. To our knowledge, no occurrence of c.-15C>G in individuals affected with MEFV-related conditions and no experimental evidence demonstrating its impact on protein function have been reported. ClinVar contains an entry for this variant (Variation ID: 319120). Based on the evidence outlined above, the variant was classified as likely benign.

Blueprint Genetics
Classification: Likely benign. Last evaluated: 2024-10-23. Review status: criteria provided, single submitter. Criteria: ACMG Guidelines, 2015. Collection method: clinical testing. Allele origin: germline.

ARUP Laboratories, Molecular Genetics and Genomics, ARUP Laboratories
Classification: Likely benign. Last evaluated: 2019-04-23. Review status: criteria provided, single submitter. Criteria: ARUP Molecular Germline Variant Investigation Process. Collection method: clinical testing. Allele origin: germline.

GeneDx
Classification: Likely benign. Last evaluated: 2018-05-22. Review status: criteria provided, single submitter. Criteria: GeneDx Variant Classification Process June 2021. Collection method: clinical testing. Allele origin: germline. Affected: yes.

Illumina Laboratory Services, Illumina
Classification: Uncertain significance for Familial Mediterranean fever. Last evaluated: 2018-01-12. Review status: criteria provided, single submitter. Criteria: ICSL Variant Classification Criteria 13 December 2019. Collection method: clinical testing. Allele origin: germline.

Natera, Inc.
Classification: Uncertain significance for Familial Mediterranean fever. Last evaluated: 2020-05-05. Review status: no assertion criteria provided. Collection method: clinical testing. Allele origin: germline. Not counted in ClinVar's aggregate classification.